The following is an entry in ClinVar:

NM_002769.5(PRSS1):c.469G>C (p.Glu157Gln)

Genes: TRB (T cell receptor beta locus; plus strand), PRSS1 (serine protease 1; plus strand). Cytogenetic location: 7q34.
Variant type: single nucleotide variant.
Coding change: c.469G>C on transcript NM_002769.5 (MANE Select); coding-DNA position 469, G replaced by C.
Protein change: p.Glu157Gln; replaces glutamic acid 157 with glutamine.
Molecular consequence: missense variant.
Genome position (GRCh38, 1-based): chr7:142,752,445, G>C. VCF-style: chr7-142752445-G-C. GRCh37 (hg19) VCF-style: chr7-142460296-G-C.
Other names: short protein forms E157Q.
Identifiers: ClinVar variation 577115 (VCV000577115.13), dbSNP rs200890507, ClinGen allele CA4530022.

ClinVar aggregate classification (germline): Uncertain significance. Review status: criteria provided, multiple submitters, no conflicts (2 of 4 stars). 3 submissions from 3 submitters: Uncertain significance (3). Last evaluated 2025-05-18.

Conditions:
Hereditary pancreatitis (PCTT). Also called: PRSS1-Related Hereditary Pancreatitis; Hereditary chronic pancreatitis. Identifiers: Orphanet 676, MedGen C0238339, MONDO:0008185, OMIM 167800.

Submissions (3):

Labcorp Genetics (formerly Invitae), Labcorp
Classification: Uncertain significance for Hereditary pancreatitis. Last evaluated: 2025-05-18. Review status: criteria provided, single submitter. Criteria: Invitae Variant Classification Sherloc (09022015). Collection method: clinical testing. Allele origin: germline.
Comment: This sequence change replaces glutamic acid, which is acidic and polar, with glutamine, which is neutral and polar, at codon 157 of the PRSS1 protein (p.Glu157Gln). The frequency data for this variant in the population databases is considered unreliable, as metrics indicate poor data quality at this position in the gnomAD database. This variant has not been reported in the literature in individuals affected with PRSS1-related conditions. ClinVar contains an entry for this variant (Variation ID: 577115). Invitae Evidence Modeling of protein sequence and biophysical properties (such as structural, functional, and spatial information, amino acid conservation, physicochemical variation, residue mobility, and thermodynamic stability) indicates that this missense variant is not expected to disrupt PRSS1 protein function with a negative predictive value of 80%. In summary, the available evidence is currently insufficient to determine the role of this variant in disease. Therefore, it has been classified as a Variant of Uncertain Significance.

Ambry Genetics
Classification: Uncertain significance for Hereditary pancreatitis. Last evaluated: 2024-08-02. Review status: criteria provided, single submitter. Criteria: Ambry Variant Classification Scheme 2023. Collection method: clinical testing. Allele origin: germline.
Comment: The p.E157Q variant (also known as c.469G>C), located in coding exon 4 of the PRSS1 gene, results from a G to C substitution at nucleotide position 469. The glutamic acid at codon 157 is replaced by glutamine, an amino acid with highly similar properties. A different variant affecting this codon (p.E157K c.469G>A) has been detected in a pancreatic cancer cohort; however, detail was limited (Grant RC et al. Gastroenterology, 2015 Mar;148:556-64). This amino acid position is poorly conserved in available vertebrate species. In addition, this alteration is predicted to be tolerated by in silico analysis. Since supporting evidence is limited at this time, the clinical significance of this alteration remains unclear.

Women's Health and Genetics/Laboratory Corporation of America, LabCorp
Classification: Uncertain significance. Last evaluated: 2021-03-02. Review status: criteria provided, single submitter. Criteria: LabCorp Variant Classification Summary - May 2015. Collection method: clinical testing. Allele origin: germline.
Comment: Variant summary: PRSS1 c.469G>C (p.Glu157Gln) results in a conservative amino acid change located in the Serine proteases, trypsin domain (IPR001254) of the encoded protein sequence. Five of five in-silico tools predict a benign effect of the variant on protein function. The variant allele was found at a frequency of 1.2e-05 in 251476 control chromosomes (gnomAD). The available data on variant occurrences in the general population are insufficient to allow any conclusion about variant significance. To our knowledge, no occurrence of c.469G>C in individuals affected with Chronic Pancreatitis and no experimental evidence demonstrating its impact on protein function have been reported. One ClinVar submitter (evaluation after 2014) cites the variant as uncertain significance. Based on the evidence outlined above, the variant was classified as uncertain significance.

Literature cited by the submitters: PubMed 25479140 (cited by Ambry Genetics).